The following is an entry in ClinVar:

ClinVar aggregate classification (germline): Uncertain significance (1 of 4 stars; one submission).

Conditions:
Regional enteritis. Also called: Enteritis, Granulomatous. Identifiers: MedGen C0678202, MeSH D003424.
Blau syndrome (BLAUS). Also called: ARTHROCUTANEOUVEAL GRANULOMATOSIS; GRANULOMATOSIS, FAMILIAL JUVENILE SYSTEMIC; GRANULOMATOSIS, FAMILIAL, BLAU TYPE; GRANULOMATOUS INFLAMMATORY ARTHRITIS, DERMATITIS, AND UVEITIS, FAMILIAL; JABS SYNDROME. Identifiers: Orphanet 90340, MedGen C5201146, MONDO:0008523, OMIM 186580.

gnomAD v4.1: 7 of 1,613,968 alleles (0.00043%); highest among the groups gnomAD compares: Admixed American, 0.0017%; no homozygotes.

Submission:

Labcorp Genetics (formerly Invitae), Labcorp
Classification: Uncertain significance for Regional enteritis; Blau syndrome. Last evaluated: 2026-01-18. Review status: criteria provided, single submitter. Criteria: Invitae Variant Classification Sherloc (09022015). Collection method: clinical testing. Allele origin: germline.
Comment: This sequence change replaces glycine, which is neutral and non-polar, with valine, which is neutral and non-polar, at codon 52 of the NOD2 protein (p.Gly52Val). This variant is present in population databases (no rsID available, gnomAD 0.003%). This variant has not been reported in the literature in individuals affected with NOD2-related conditions. Invitae Evidence Modeling of protein sequence and biophysical properties (such as structural, functional, and spatial information, amino acid conservation, physicochemical variation, residue mobility, and thermodynamic stability) indicates that this missense variant is not expected to disrupt NOD2 protein function with a negative predictive value of 95%. In summary, the available evidence is currently insufficient to determine the role of this variant in disease. Therefore, it has been classified as a Variant of Uncertain Significance.

NM_001370466.1(NOD2):c.74G>T (p.Gly25Val)

Gene: NOD2 (nucleotide binding oligomerization domain containing 2; plus strand). Cytogenetic location: 16q12.1.
Variant type: single nucleotide variant.
Coding change: c.74G>T on transcript NM_001370466.1 (MANE Select); coding-DNA position 74, G replaced by T.
Protein change: p.Gly25Val; replaces glycine 25 with valine.
Molecular consequence: missense variant. On other transcripts: non-coding transcript variant (1).
Genome position (GRCh38, 1-based): chr16:50,699,569, G>T. VCF-style: chr16-50699569-G-T. GRCh37 (hg19) VCF-style: chr16-50733480-G-T.
Other names: c.74G>T, p.Gly25Val (NM_001293557.2); c.155G>T, p.Gly52Val (NM_022162.3); short protein forms G52V, G25V.
Identifiers: ClinVar variation 4790302 (VCV004790302.1).